The following is an entry in ClinVar:

NM_000051.4(ATM):c.2650C>T (p.Pro884Ser)

Gene: ATM (ATM serine/threonine kinase; plus strand). Cytogenetic location: 11q22.3.
Variant type: single nucleotide variant.
Coding change: c.2650C>T on transcript NM_000051.4 (MANE Select); coding-DNA position 2650, C replaced by T.
Protein change: p.Pro884Ser; replaces proline 884 with serine.
Molecular consequence: missense variant.
Genome position (GRCh38, 1-based): chr11:108,268,421, C>T. VCF-style: chr11-108268421-C-T. GRCh37 (hg19) VCF-style: chr11-108139148-C-T.
Other names: c.2650C>T, p.Pro884Ser (NM_001351834.2); short protein forms P884S.
Identifiers: ClinVar variation 1303049 (VCV001303049.9), dbSNP rs1591593623, ClinGen allele CA382545022.

ClinVar aggregate classification (germline): Uncertain significance. Review status: criteria provided, multiple submitters, no conflicts (2 of 4 stars). 3 submissions from 3 submitters: Uncertain significance (3). Last evaluated 2025-12-30.

Conditions:
Hereditary cancer-predisposing syndrome. Also called: Hereditary neoplastic syndrome; Tumor predisposition; Neoplastic Syndromes, Hereditary; Hereditary Cancer Syndrome. Identifiers: Orphanet 140162, MedGen C0027672, MeSH D009386, MONDO:0015356.
Ataxia-telangiectasia syndrome (AT). Also called: Ataxia telangiectasia (A-T); Cerebello-oculocutaneous telangiectasia; Immunodeficiency with ataxia telangiectasia; Ataxia-telangiectasia, complementation group D; AT, COMPLEMENTATION GROUP C; ATAXIA-TELANGIECTASIA, COMPLEMENTATION GROUP A. Identifiers: Orphanet 100, MedGen C0004135, MONDO:0008840, OMIM 208900.

Submissions (3):

Ambry Genetics
Classification: Uncertain significance for Hereditary cancer-predisposing syndrome. Last evaluated: 2025-12-30. Review status: criteria provided, single submitter. Criteria: Ambry Variant Classification Scheme 2023. Collection method: clinical testing. Allele origin: germline.
Comment: The p.P884S variant (also known as c.2650C>T), located in coding exon 17 of the ATM gene, results from a C to T substitution at nucleotide position 2650. The proline at codon 884 is replaced by serine, an amino acid with similar properties. In an assay testing ATM function, this variant showed a functionally normal result (Lee KS et al. Cell, 2025 Sep;188:5081-5099.e27). This amino acid position is highly conserved in available vertebrate species. In addition, the in silico prediction for this alteration is inconclusive. Based on the available evidence, the clinical significance of this variant remains unclear.

Labcorp Genetics (formerly Invitae), Labcorp
Classification: Uncertain significance for Ataxia-telangiectasia syndrome. Last evaluated: 2024-06-02. Review status: criteria provided, single submitter. Criteria: Invitae Variant Classification Sherloc (09022015). Collection method: clinical testing. Allele origin: germline.
Comment: This sequence change replaces proline, which is neutral and non-polar, with serine, which is neutral and polar, at codon 884 of the ATM protein (p.Pro884Ser). This variant is not present in population databases (gnomAD no frequency). This missense change has been observed in individual(s) with breast cancer (PMID: 17393301, 19781682). ClinVar contains an entry for this variant (Variation ID: 1303049). An algorithm developed to predict the effect of missense changes on protein structure and function (PolyPhen-2) suggests that this variant is likely to be tolerated. In summary, the available evidence is currently insufficient to determine the role of this variant in disease. Therefore, it has been classified as a Variant of Uncertain Significance.

GeneDx
Classification: Uncertain significance. Last evaluated: 2023-06-12. Review status: criteria provided, single submitter. Criteria: GeneDx Variant Classification Process June 2021. Collection method: clinical testing. Allele origin: germline. Affected: yes.
Comment: Not observed at significant frequency in large population cohorts (gnomAD); In silico analysis supports that this missense variant does not alter protein structure/function; This variant is associated with the following publications: (PMID: 17393301, 19781682)

Literature cited by the submitters: PubMed 40580951 (cited by Ambry Genetics); PubMed 17393301 (cited by Labcorp Genetics (formerly Invitae), Labcorp); PubMed 19781682 (cited by Labcorp Genetics (formerly Invitae), Labcorp).